The following is an entry in ClinVar:

NM_004655.4(AXIN2):c.278dup (p.Tyr93Ter)

Gene: AXIN2 (axin 2; minus strand). Cytogenetic location: 17q24.1.
Variant type: Duplication.
Coding change: c.278dup on transcript NM_004655.4 (MANE Select); coding-DNA position 278, one base duplicated (A; older notation c.278dupA).
Protein change: p.Tyr93Ter; replaces tyrosine 93 with a stop codon.
Molecular consequence: nonsense.
Genome position (GRCh38, 1-based): chr17:65,558,343, T duplicated on the plus strand (A on the coding strand, the reverse complement: AXIN2 is on the minus strand). VCF-style (leftmost placement, unchanged base first): chr17-65558342-G-GT. GRCh37 (hg19) VCF-style: chr17-63554460-G-GT.
Other names: c.278dup, p.Tyr93Ter (NM_001363813.1); short protein forms Y93*.
Identifiers: ClinVar variation 4798174 (VCV004798174.2).

ClinVar aggregate classification (germline): Pathogenic/Likely pathogenic. Review status: criteria provided, multiple submitters, no conflicts (2 of 4 stars). 2 submissions from 2 submitters: Pathogenic (1); Likely pathogenic (1). Last evaluated 2025-10-29.

Conditions:
Oligodontia-cancer predisposition syndrome. Also called: TOOTH AGENESIS-COLORECTAL CANCER SYNDROME. Identifiers: Orphanet 300576, MedGen C1837750, MONDO:0012075, OMIM 608615. Disease mechanism: loss of function.

Submissions (2):

Labcorp Genetics (formerly Invitae), Labcorp
Classification: Pathogenic for Oligodontia-cancer predisposition syndrome. Last evaluated: 2025-10-29. Review status: criteria provided, single submitter. Criteria: Invitae Variant Classification Sherloc (09022015). Collection method: clinical testing. Allele origin: germline.
Comment: This sequence change creates a premature translational stop signal (p.Tyr93*) in the AXIN2 gene. It is expected to result in an absent or disrupted protein product. Loss-of-function variants in AXIN2 are known to be pathogenic (PMID: 15042511, 21416598). This variant is not present in population databases (gnomAD no frequency). This variant has not been reported in the literature in individuals affected with AXIN2-related conditions. For these reasons, this variant has been classified as Pathogenic.

Variantyx, Inc.
Classification: Likely pathogenic for Oligodontia-cancer predisposition syndrome. Last evaluated: 2025-09-30. Review status: criteria provided, single submitter. Criteria: Variantyx Assertion Criteria 2022. Collection method: clinical testing. Allele origin: germline. Inheritance: Autosomal dominant inheritance. Affected: no.
Comment: This is a frameshift variant in the AXIN2 gene (OMIM: 604025). Pathogenic variants in this gene have been associated with autosomal dominant oligodontia-colorectal cancer syndrome. This variant introduces a premature termination codon in exon 2 out of 11and is expected to result in loss of function, which is a known disease mechanism for AXIN2 in this disorder (PMID: 15042511, 21416598, 28195393) (PVS1). This variant is absent from control populations (PM2), and it has not been previously reported in individuals with AXIN2-related disorders in the databases available for review. Based on the current evidence, this variant is classified as likely pathogenic for autosomal dominant oligodontia-colorectal cancer syndrome.Inheritance from an unaffected or mildly affected parent has been reported in the AXIN2 gene, consistent with incomplete penetrance and/or variable expressivity (PMID: 36860143).

Literature cited by the submitters: PubMed 15042511 (cited by Labcorp Genetics (formerly Invitae), Labcorp and Variantyx, Inc.); PubMed 21416598 (cited by Labcorp Genetics (formerly Invitae), Labcorp and Variantyx, Inc.); PubMed 28195393 (cited by Variantyx, Inc.).